The following is an entry in ClinVar:

ClinVar aggregate classification (germline): Pathogenic (1 of 4 stars; one submission).

Conditions:
Neuronal ceroid lipofuscinosis. Also called: Neuronal Ceroid Lipofuscinoses. Identifiers: Orphanet 216, Orphanet 79263, MedGen C0027877, MONDO:0016295. Disease mechanism: loss of function.

Submission:

Labcorp Genetics (formerly Invitae), Labcorp
Classification: Pathogenic for Neuronal ceroid lipofuscinosis. Last evaluated: 2022-09-03. Review status: criteria provided, single submitter. Criteria: Invitae Variant Classification Sherloc (09022015). Collection method: clinical testing. Allele origin: germline.
Comment: For these reasons, this variant has been classified as Pathogenic. Algorithms developed to predict the effect of sequence changes on RNA splicing suggest that this variant may disrupt the consensus splice site. This variant has not been reported in the literature in individuals affected with CLN6-related conditions. This variant is not present in population databases (gnomAD no frequency). This sequence change creates a premature translational stop signal (p.Tyr89*) in the CLN6 gene. It is expected to result in an absent or disrupted protein product. Loss-of-function variants in CLN6 are known to be pathogenic (PMID: 19135028).

Literature cited by the submitters: PubMed 19135028.

NM_017882.3(CLN6):c.266_267insAATCCTA (p.Tyr89Ter)

Gene: CLN6 (CLN6 transmembrane ER protein; minus strand). Cytogenetic location: 15q23.
Variant type: Insertion.
Coding change: c.266_267insAATCCTA on transcript NM_017882.3 (MANE Select); coding-DNA positions 266 to 267, AATCCTA inserted.
Protein change: p.Tyr89Ter; replaces tyrosine 89 with a stop codon.
Molecular consequence: nonsense. On other transcripts: frameshift variant (1).
Genome position: GRCh38 VCF-style: chr15-68214320-G-GTAGGATT. GRCh37 (hg19) VCF-style: chr15-68506658-G-GTAGGATT.
Other names: c.358_359insCCTAAAT, p.Tyr121Terfs (NM_001411068.1); short protein forms Y89*.
Identifiers: ClinVar variation 2028846 (VCV002028846.4), dbSNP rs2505414784, ClinGen allele CA2580089908.